The following is an entry in ClinVar:

ClinVar aggregate classification (germline): Uncertain significance. Review status: criteria provided, multiple submitters, no conflicts (2 of 4 stars). 5 submissions from 5 submitters: Uncertain significance (5). Last evaluated 2026-03-01.

Conditions:
Malignant hyperthermia, susceptibility to, 1 (MHS1). Also called: Malignant hyperthermia suceptibility 1; RYR1-Related Malignant Hyperthermia Susceptibility; Anesthesia related hyperthermia; Malignant hyperpyrexia; Fulminating hyperpyrexia; Pharmacogenic myopathy. Identifiers: Orphanet 423, MedGen C2930980, MONDO:0007783, OMIM 145600.
King Denborough syndrome (KDS). Identifiers: MedGen C1840365, MONDO:0020485, OMIM 619542.
Central core myopathy (CMYO1A). Also called: CONGENITAL MYOPATHY 1A, AUTOSOMAL DOMINANT, WITH SUSCEPTIBILITY TO MALIGNANT HYPERTHERMIA; Central core disease; Myopathy, central fibrillar. Identifiers: Orphanet 597, MedGen C5830701, MONDO:0007294, OMIM 117000.
Congenital multicore myopathy with external ophthalmoplegia (CMYO1B). Also called: MULTIMINICORE DISEASE WITH EXTERNAL OPHTHALMOPLEGIA; Congenital myopathy 1B, autosomal recessive; Minicore myopathy; MULTICORE MYOPATHY; Minicore myopathy with external ophthalmoplegia. Identifiers: Orphanet 598, Orphanet 98905, MedGen C1850674, MONDO:0009712, OMIM 255320, HP:0003789.
RYR1-related disorder. Also called: RYR1-related disorders; RYR1-related condition. Identifiers: MedGen CN239331.

Allele frequency attached by ClinVar (database versions not stated): gnomAD 0.00001; TOPMed 0.00001; ExAC 0.00002; gnomAD exomes 0.00002.
gnomAD v4.1: 23 of 1,613,994 alleles (0.0014%); highest among the groups gnomAD compares: South Asian, 0.012%; no homozygotes.

Submissions (5):

CeGaT Center for Human Genetics Tuebingen
Classification: Uncertain significance. Last evaluated: 2026-03-01. Review status: criteria provided, single submitter. Criteria: CeGaT Center For Human Genetics Tuebingen Variant Classification Criteria Version 2. Collection method: clinical testing. Allele origin: germline. Affected: yes. Observed: 2 variant alleles.
Comment: RYR1: PP3

Color Diagnostics, LLC DBA Color Health
Classification: Uncertain significance for Malignant hyperthermia, susceptibility to, 1. Last evaluated: 2025-07-16. Review status: criteria provided, single submitter. Criteria: ACMG Guidelines, 2015. Collection method: clinical testing. Allele origin: germline.
Comment: This missense variant replaces arginine with histidine at codon 2806 of the RYR1 protein. Computational prediction suggests that this variant may have deleterious impact on protein structure and function. To our knowledge, functional studies have not been reported for this variant. This variant has not been reported in individuals affected with malignant hyperthermia susceptibility but has been observed in a neonate affected with hypotonia (PMID: 27353517). This variant has been identified in 5/282762 chromosomes in the general population by the Genome Aggregation Database (gnomAD). The available evidence is insufficient to determine the role of this variant in disease conclusively. Therefore, this variant is classified as a Variant of Uncertain Significance.

Labcorp Genetics (formerly Invitae), Labcorp
Classification: Uncertain significance for RYR1-related disorder. Last evaluated: 2025-02-19. Review status: criteria provided, single submitter. Criteria: Invitae Variant Classification Sherloc (09022015). Collection method: clinical testing. Allele origin: germline.
Comment: This sequence change replaces arginine, which is basic and polar, with histidine, which is basic and polar, at codon 2806 of the RYR1 protein (p.Arg2806His). This variant is present in population databases (rs778214809, gnomAD 0.01%). This missense change has been observed in individual(s) with neonatal hypotonia (PMID: 27353517, 36833224). ClinVar contains an entry for this variant (Variation ID: 425180). Invitae Evidence Modeling of protein sequence and biophysical properties (such as structural, functional, and spatial information, amino acid conservation, physicochemical variation, residue mobility, and thermodynamic stability) indicates that this missense variant is expected to disrupt RYR1 protein function with a positive predictive value of 80%. In summary, the available evidence is currently insufficient to determine the role of this variant in disease. Therefore, it has been classified as a Variant of Uncertain Significance.

All of Us Research Program, National Institutes of Health
Classification: Uncertain significance for Malignant hyperthermia, susceptibility to, 1. Last evaluated: 2024-01-11. Review status: criteria provided, single submitter. Criteria: ACMG Guidelines, 2015. Collection method: clinical testing. Allele origin: germline. Inheritance: Autosomal dominant inheritance. Observed: 2 variant alleles, 2 heterozygotes.
Comment: This study involves interpretation of variants in research participants for the purpose of population health screening. Participant phenotype was not available at the time of variant classification. Additional details can be found in publication PMID: 35346344, PMCID: PMC8962531

Juno Genomics, Hangzhou Juno Genomics, Inc
Classification: Uncertain significance for Congenital multicore myopathy with external ophthalmoplegia; Central core myopathy; Malignant hyperthermia, susceptibility to, 1; King Denborough syndrome. Review status: criteria provided, single submitter. Criteria: ACMG Guidelines, 2015. Collection method: clinical testing. Allele origin: germline. Affected: yes.
Comment: Multiple lines of computational evidence support a deleterious effect on the gene or gene product.;For recessive disorders, detected in trans with a pathogenic variant.

Literature cited by the submitters: PubMed 27353517 (cited by Color Diagnostics, LLC DBA Color Health and Labcorp Genetics (formerly Invitae), Labcorp); PubMed 36833224 (cited by Labcorp Genetics (formerly Invitae), Labcorp).

NM_000540.3(RYR1):c.8417G>A (p.Arg2806His)

Genes: RYR1 (ryanodine receptor 1; plus strand), LOC126862902 (BRD4-independent group 4 enhancer GRCh37_chr19:38995830-38997029; plus strand). Cytogenetic location: 19q13.2.
Variant type: single nucleotide variant.
Coding change: c.8417G>A on transcript NM_000540.3 (MANE Select); coding-DNA position 8417, G replaced by A.
Protein change: p.Arg2806His; replaces arginine 2806 with histidine.
Molecular consequence: missense variant.
Genome position (GRCh38, 1-based): chr19:38,505,822, G>A. VCF-style: chr19-38505822-G-A. GRCh37 (hg19) VCF-style: chr19-38996462-G-A.
Other names: c.8417G>A, p.Arg2806His (NM_001042723.2); short protein forms R2806H.
Identifiers: ClinVar variation 425180 (VCV000425180.50), dbSNP rs778214809, ClinGen allele CA072017.